The following is an entry in ClinVar:

NM_138576.4(BCL11B):c.1822C>T (p.Pro608Ser)

Gene: BCL11B (BCL11 transcription factor B; minus strand). Cytogenetic location: 14q32.2.
Variant type: single nucleotide variant.
Coding change: c.1822C>T on transcript NM_138576.4 (MANE Select); coding-DNA position 1822, C replaced by T.
Protein change: p.Pro608Ser; replaces proline 608 with serine.
Molecular consequence: missense variant.
Genome position (GRCh38, 1-based): chr14:99,175,014, G>A on the plus strand (C>T on the coding strand, the complement: BCL11B is on the minus strand). VCF-style: chr14-99175014-G-A. GRCh37 (hg19) VCF-style: chr14-99641351-G-A.
Other names: c.1819C>T, p.Pro607Ser (NM_001282237.2); c.1606C>T, p.Pro536Ser (NM_001282238.2); c.1609C>T, p.Pro537Ser (NM_022898.3); short protein forms P536S, P607S, P537S, P608S.
Identifiers: ClinVar variation 3648065 (VCV003648065.2).

ClinVar aggregate classification (germline): Uncertain significance (1 of 4 stars; one submission).

gnomAD v4.1: 1 of 1,592,496 alleles (0.000063%); highest among the groups gnomAD compares: Non-Finnish European, 0.000085%; no homozygotes.

Submission:

Labcorp Genetics (formerly Invitae), Labcorp
Classification: Uncertain significance. Last evaluated: 2025-06-30. Review status: criteria provided, single submitter. Criteria: Invitae Variant Classification Sherloc (09022015). Collection method: clinical testing. Allele origin: germline.
Comment: This sequence change replaces proline, which is neutral and non-polar, with serine, which is neutral and polar, at codon 608 of the BCL11B protein (p.Pro608Ser). The frequency data for this variant in the population databases is considered unreliable, as metrics indicate poor data quality at this position in the gnomAD database. This variant has not been reported in the literature in individuals affected with BCL11B-related conditions. ClinVar contains an entry for this variant (Variation ID: 3648065). Invitae Evidence Modeling of protein sequence and biophysical properties (such as structural, functional, and spatial information, amino acid conservation, physicochemical variation, residue mobility, and thermodynamic stability) indicates that this missense variant is not expected to disrupt BCL11B protein function with a negative predictive value of 95%. In summary, the available evidence is currently insufficient to determine the role of this variant in disease. Therefore, it has been classified as a Variant of Uncertain Significance.